The following is an entry in ClinVar:

ClinVar aggregate classification (germline): Likely pathogenic (1 of 4 stars; one submission).

Conditions:
Susceptibility to severe COVID-19.

Submission:

Molecular Medicine Center, Medical University of Sofia
Classification: Likely pathogenic for Susceptibility to severe COVID-19. Last evaluated: 2024-07-22. Review status: criteria provided, single submitter. Criteria: ACMG Guidelines, 2015. Collection method: research. Allele origin: germline. Affected: yes.
Comment: Novel (unreported in gnomAD or dbSNP until April 2024) variant found in severely infected COVID-19 Bulgarian patients in a research study. Variant is classified as likely pathogenic according to the ACMG criteria: PM2,PM5,PP3,PM4.

NM_004260.4(RECQL4):c.2068_2070del (p.Thr690del)

Gene: RECQL4 (RecQ like helicase 4; minus strand). Cytogenetic location: 8q24.3.
Variant type: Deletion.
Coding change: c.2068_2070del on transcript NM_004260.4 (MANE Select); coding-DNA positions 2068 to 2070, 3 bases deleted (ACG; older notation c.2068_2070delACG).
Protein change: p.Thr690del; deletes threonine 690.
Molecular consequence: inframe deletion. On other transcripts: non-coding transcript variant (2).
Genome position (GRCh38, 1-based): chr8:144,513,701-144,513,703, CGT deleted on the plus strand (ACG on the coding strand, the reverse complement: RECQL4 is on the minus strand); deleting any 3 consecutive bases within chr8:144,513,701-144,513,704 gives the same sequence; the c. name uses the placement nearest the transcript's 3' end. VCF-style (leftmost placement, unchanged base first): chr8-144513700-GCGT-G. GRCh37 (hg19) VCF-style: chr8-145739084-GCGT-G.
Other names: c.1972_1974del, p.Thr658del (NM_001413017.1, NM_001413020.1); c.2068_2070del, p.Thr690del (NM_001413018.1, NM_001413019.1, NM_001413036.1); c.997_999del, p.Thr333del (NM_001413021.1, NM_001413022.1, NM_001413023.1 and 6 more transcripts); c.1939_1941del, p.Thr647del (NM_001413025.1); c.931_933del, p.Thr311del (NM_001413027.1, NM_001413030.1, NM_001413032.1 and 1 more transcripts); c.1717_1719del, p.Thr573del (NM_001413029.1); c.799_801del, p.Thr267del (NM_001413031.1); c.1936_1938del, p.Thr646del (NM_001413033.1); and 5 more; short protein forms T201del, T267del, T289del, T311del, T323del, T333del, T573del, T646del.
Identifiers: ClinVar variation 3256940 (VCV003256940.1).
Genomic context (GRCh38, chr8:144,513,700, plus strand): 5'-CGCGCCGGTTGCAGTAAATGATAATGGAATCGAGGTTTTGAAAACGTTTGCCTTGCAGCA[GCGT>G]CAACAGTGCCTGATGAGGAGCGGTTGGCGTGGGCAGTGGGGAGTGAGGAGGGGTCGGCGT-3'